The following is an entry in ClinVar:

ClinVar aggregate classification (germline): Conflicting classifications of pathogenicity. Review status: criteria provided, conflicting classifications (1 of 4 stars). 3 submissions from 3 submitters: Uncertain significance (1); Likely benign (1). 1 of the submissions does not count toward it. Last evaluated 2026-01-26.

Conditions:
Cardiomyopathy (CMYO). Also called: Cardiomyopathies. Identifiers: Orphanet 167848, MedGen C0878544, MONDO:0004994, HP:0001638. Inheritance: Various modes of inheritance.
Dystrophin deficiency.
Duchenne muscular dystrophy (DMD). Also called: MUSCULAR DYSTROPHY, PSEUDOHYPERTROPHIC PROGRESSIVE, DUCHENNE TYPE; Duchenne Muscular Dystrophy (DMD). Identifiers: Orphanet 98896, MedGen C0013264, MONDO:0010679, OMIM 310200.
Becker muscular dystrophy (BMD). Also called: Becker Muscular Dystrophy (BMD); MUSCULAR DYSTROPHY, PSEUDOHYPERTROPHIC PROGRESSIVE, BECKER TYPE. Identifiers: Orphanet 98895, MedGen C0917713, MONDO:0010311, OMIM 300376.

Allele frequency attached by ClinVar (database versions not stated): gnomAD 0.00003; TOPMed 0.00005.
gnomAD v4.1: 15 of 1,208,311 alleles (0.0012%); highest among the groups gnomAD compares: Admixed American, 0.031%; no homozygotes.

Submissions (3):

Labcorp Genetics (formerly Invitae), Labcorp
Classification: Likely benign for Duchenne muscular dystrophy. Last evaluated: 2026-01-26. Review status: criteria provided, single submitter. Criteria: Invitae Variant Classification Sherloc (09022015). Collection method: clinical testing. Allele origin: germline.

Mayo Clinic Laboratories, Mayo Clinic
Classification: Uncertain significance. Last evaluated: 2025-07-10. Review status: criteria provided, single submitter. Criteria: ACMG Guidelines, 2015. Collection method: clinical testing. Allele origin: germline. Observed: 1 variant allele.
Comment: BP4_moderate

Natera, Inc.
Classification: Uncertain significance for Becker muscular dystrophy; Cardiomyopathy; Duchenne muscular dystrophy; Dystrophin deficiency. Last evaluated: 2020-04-20. Review status: no assertion criteria provided. Collection method: clinical testing. Allele origin: germline. Not counted in ClinVar's aggregate classification.

NM_004006.3(DMD):c.5682T>G (p.Asp1894Glu)

Gene: DMD (dystrophin; minus strand). Cytogenetic location: Xp21.1.
Variant type: single nucleotide variant.
Coding change: c.5682T>G on transcript NM_004006.3 (MANE Select); coding-DNA position 5682, T replaced by G.
Protein change: p.Asp1894Glu; replaces aspartic acid 1894 with glutamic acid.
Molecular consequence: missense variant.
Genome position (GRCh38, 1-based): chrX:32,343,191, A>C on the plus strand (T>G on the coding strand, the complement: DMD is on the minus strand). VCF-style: chrX-32343191-A-C. GRCh37 (hg19) VCF-style: chrX-32361308-A-C.
Other names: p.Asp1894Glu; c.5658T>G, p.Asp1886Glu (NM_000109.4); c.5670T>G, p.Asp1890Glu (NM_004009.3); c.5313T>G, p.Asp1771Glu (NM_004010.3); c.1659T>G, p.Asp553Glu (NM_004011.4); c.1650T>G, p.Asp550Glu (NM_004012.4); c.5682T>G (NM_004006.2); short protein forms D1771E, D1886E, D1890E, D1894E, D550E, D553E.
Identifiers: ClinVar variation 1053809 (VCV001053809.11), dbSNP rs779574344, ClinGen allele CA412665866.